The following is an entry in ClinVar:

ClinVar aggregate classification (germline): Likely benign (1 of 4 stars; one submission).

Allele frequency attached by ClinVar (database versions not stated): gnomAD exomes below 0.00001.
gnomAD v4.1: 3 of 1,210,540 alleles (0.00025%); highest among the groups gnomAD compares: South Asian, 0.0053%; no homozygotes.

Submission:

CeGaT Center for Human Genetics Tuebingen
Classification: Likely benign. Last evaluated: 2023-01-01. Review status: criteria provided, single submitter. Criteria: CeGaT Center For Human Genetics Tuebingen Variant Classification Criteria Version 2. Collection method: clinical testing. Allele origin: germline. Affected: yes. Observed: 1 variant allele.
Comment: CCDC22: PM2:Supporting, BP4, BP7

NM_014008.5(CCDC22):c.1233C>T (p.Ala411=)

Gene: CCDC22 (CCC complex scaffolding subunit CCDC22; plus strand). Cytogenetic location: Xp11.23.
Variant type: single nucleotide variant.
Coding change: c.1233C>T on transcript NM_014008.5 (MANE Select); coding-DNA position 1233, C replaced by T.
Protein change: p.Ala411=; no amino-acid change (alanine 411 retained).
Molecular consequence: synonymous variant.
Genome position (GRCh38, 1-based): chrX:49,248,427, C>T. VCF-style: chrX-49248427-C-T. GRCh37 (hg19) VCF-style: chrX-49104888-C-T.
Identifiers: ClinVar variation 2660526 (VCV002660526.24), dbSNP rs2066002991, ClinGen allele CA516569730.